The following is an entry in ClinVar:

NM_000179.3(MSH6):c.2084T>G (p.Leu695Arg)

Gene: MSH6 (mutS homolog 6; plus strand). Cytogenetic location: 2p16.3.
Variant type: single nucleotide variant.
Coding change: c.2084T>G on transcript NM_000179.3 (MANE Select); coding-DNA position 2084, T replaced by G.
Protein change: p.Leu695Arg; replaces leucine 695 with arginine.
Molecular consequence: missense variant.
Genome position (GRCh38, 1-based): chr2:47,800,067, T>G. VCF-style: chr2-47800067-T-G. GRCh37 (hg19) VCF-style: chr2-48027206-T-G.
Other names: c.1694T>G, p.Leu565Arg (NM_001281492.2); c.1178T>G, p.Leu393Arg (NM_001281493.2, NM_001281494.2, NM_001406811.1 and 6 more transcripts); c.2180T>G, p.Leu727Arg (NM_001406795.1, NM_001406802.1); c.2084T>G, p.Leu695Arg (NM_001406796.1, NM_001406798.1, NM_001406800.1 and 3 more transcripts); c.1787T>G, p.Leu596Arg (NM_001406797.1, NM_001406801.1, NM_001406805.1 and 10 more transcripts); c.1559T>G, p.Leu520Arg (NM_001406799.1, NM_001406806.1, NM_001406807.1); c.2006T>G, p.Leu669Arg (NM_001406804.1); c.2090T>G, p.Leu697Arg (NM_001406813.1); and 1 more; short protein forms L393R, L596R, L669R, L695R, L727R, L520R, L639R, L697R.
Identifiers: ClinVar variation 2116355 (VCV002116355.4), dbSNP rs2104387817, ClinGen allele CA346750836.
Genomic context (GRCh38, chr2:47,800,067, plus strand): 5'-AGAAAAGTGAATTGGCCCTCTCTGCTCTAGGTGGTTGTGTCTTCTACCTCAAAAAATGCC[T>G]TATTGATCAGGAGCTTTTATCAATGGCTAATTTTGAAGAATATATTCCCTTGGATTCTGA-3'
Protein context (NP_000170.1, residues 685-705): GGCVFYLKKC[Leu695Arg]IDQELLSMAN

ClinVar aggregate classification (germline): Uncertain significance (1 of 4 stars; one submission).

Conditions:
Hereditary nonpolyposis colorectal neoplasms. Identifiers: MedGen C0009405, MeSH D003123.

Submission:

Labcorp Genetics (formerly Invitae), Labcorp
Classification: Uncertain significance for Hereditary nonpolyposis colorectal neoplasms. Last evaluated: 2022-03-23. Review status: criteria provided, single submitter. Criteria: Invitae Variant Classification Sherloc (09022015). Collection method: clinical testing. Allele origin: germline.
Comment: This sequence change replaces leucine, which is neutral and non-polar, with arginine, which is basic and polar, at codon 695 of the MSH6 protein (p.Leu695Arg). This variant is not present in population databases (gnomAD no frequency). This variant has not been reported in the literature in individuals affected with MSH6-related conditions. Algorithms developed to predict the effect of missense changes on protein structure and function are either unavailable or do not agree on the potential impact of this missense change (SIFT: "Deleterious"; PolyPhen-2: "Probably Damaging"; Align-GVGD: "Class C0"). In summary, the available evidence is currently insufficient to determine the role of this variant in disease. Therefore, it has been classified as a Variant of Uncertain Significance.